The following is an entry in ClinVar:

NM_001098173.2(PRDM7):c.543T>C (p.Tyr181=)

Gene: PRDM7 (PR/SET domain 7; minus strand). Cytogenetic location: 16q24.3.
Variant type: single nucleotide variant.
Coding change: c.543T>C on transcript NM_001098173.2 (MANE Select); coding-DNA position 543, T replaced by C.
Protein change: p.Tyr181=; no amino-acid change (tyrosine 181 retained).
Molecular consequence: synonymous variant.
Genome position (GRCh38, 1-based): chr16:90,062,468, A>G on the plus strand (T>C on the coding strand, the complement: PRDM7 is on the minus strand). VCF-style: chr16-90062468-A-G. GRCh37 (hg19) VCF-style: chr16-90128876-A-G.
Identifiers: ClinVar variation 2647149 (VCV002647149.24), dbSNP rs188033705, ClinGen allele CA8258622.

ClinVar aggregate classification (germline): Likely benign (1 of 4 stars; one submission).

Allele frequency attached by ClinVar (database versions not stated): 1000 Genomes Project 0.00060; 1000 Genomes Project 30x 0.00078; gnomAD exomes 0.00089; gnomAD 0.00105; TOPMed 0.00129; ExAC 0.00136; ESP Exome Variant Server 0.00205.
gnomAD v4.1: 1,513 of 1,614,110 alleles (0.094%); highest among the groups gnomAD compares: Middle Eastern, 0.21%; 6 homozygotes.

Submission:

CeGaT Center for Human Genetics Tuebingen
Classification: Likely benign. Last evaluated: 2023-03-01. Review status: criteria provided, single submitter. Criteria: CeGaT Center For Human Genetics Tuebingen Variant Classification Criteria Version 2. Collection method: clinical testing. Allele origin: germline. Affected: yes. Observed: 1 variant allele.
Comment: PRDM7: BP4, BP7